The following is an entry in ClinVar:

NM_001042603.3(KDM5A):c.2901G>C (p.Pro967=)

Gene: KDM5A (lysine demethylase 5A; minus strand). Cytogenetic location: 12p13.33.
Variant type: single nucleotide variant.
Coding change: c.2901G>C on transcript NM_001042603.3 (MANE Select); coding-DNA position 2901, G replaced by C.
Protein change: p.Pro967=; no amino-acid change (proline 967 retained).
Molecular consequence: synonymous variant.
Genome position (GRCh38, 1-based): chr12:313,191, C>G on the plus strand (G>C on the coding strand, the complement: KDM5A is on the minus strand). VCF-style: chr12-313191-C-G. GRCh37 (hg19) VCF-style: chr12-422357-C-G.
Other names: NC_000012.11:g.422357C>G.
Identifiers: ClinVar variation 778568 (VCV000778568.17), dbSNP rs144276601, ClinGen allele CA6378943.

ClinVar aggregate classification (germline): Benign/Likely benign. Review status: criteria provided, multiple submitters, no conflicts (2 of 4 stars). 4 submissions from 4 submitters: Benign (2); Likely benign (2). Last evaluated 2026-03-01.

Allele frequency attached by ClinVar (database versions not stated): ESP Exome Variant Server 0.00058; gnomAD 0.00072 and 0.00080; TOPMed 0.00086; 1000 Genomes Project 30x 0.00234; 1000 Genomes Project 0.00280.
gnomAD v4.1: 1,212 of 1,613,966 alleles (0.075%); highest among the groups gnomAD compares: Middle Eastern, 0.46%; 7 homozygotes.

Submissions (10):

CeGaT Center for Human Genetics Tuebingen
Classification: Likely benign. Last evaluated: 2026-03-01. Review status: criteria provided, single submitter. Criteria: CeGaT Center For Human Genetics Tuebingen Variant Classification Criteria Version 2. Collection method: clinical testing. Allele origin: germline. Affected: yes. Observed: 5 variant alleles.
Comment: KDM5A: BP4, BP7

Blueprint Genetics
Classification: Likely benign. Last evaluated: 2024-10-29. Review status: criteria provided, single submitter. Criteria: ACMG Guidelines, 2015. Collection method: clinical testing. Allele origin: germline.

Labcorp Genetics (formerly Invitae), Labcorp
Classification: Benign. Last evaluated: 2019-12-31. Review status: criteria provided, single submitter. Criteria: Invitae Variant Classification Sherloc (09022015). Collection method: clinical testing. Allele origin: germline.

Breakthrough Genomics
Classification: Benign. Review status: criteria provided, single submitter. Criteria: ACMG Guidelines, 2015. Collection method: not provided. Allele origin: germline. Inheritance: Unknown mechanism. Affected: yes.

Dr. Peter K. Rogan Lab, Western University
No classification provided (evidence only). Condition: Hepatocellular carcinoma. Review status: no classification provided. Collection method: in vitro. Allele origin: not applicable. Functional consequence: retained intron. Not counted in ClinVar's aggregate classification.

Dr. Peter K. Rogan Lab, Western University
No classification provided (evidence only). Condition: Gastric cancer. Review status: no classification provided. Collection method: in vitro. Allele origin: not applicable. Functional consequence: retained intron. Not counted in ClinVar's aggregate classification.

Dr. Peter K. Rogan Lab, Western University
No classification provided (evidence only). Condition: Gastric cancer. Review status: no classification provided. Collection method: in vitro. Allele origin: not applicable. Functional consequence: retained intron. Not counted in ClinVar's aggregate classification.

Dr. Peter K. Rogan Lab, Western University
No classification provided (evidence only). Condition: Gastric cancer. Review status: no classification provided. Collection method: in vitro. Allele origin: not applicable. Functional consequence: retained intron. Not counted in ClinVar's aggregate classification.

Dr. Peter K. Rogan Lab, Western University
No classification provided (evidence only). Condition: Malignant tumor of esophagus. Review status: no classification provided. Collection method: in vitro. Allele origin: not applicable. Functional consequence: retained intron. Not counted in ClinVar's aggregate classification.

Dr. Peter K. Rogan Lab, Western University
No classification provided (evidence only). Condition: Malignant tumor of esophagus. Review status: no classification provided. Collection method: in vitro. Allele origin: not applicable. Functional consequence: retained intron. Not counted in ClinVar's aggregate classification.